The following is an entry in ClinVar:

ClinVar aggregate classification (germline): Likely benign. Review status: criteria provided, single submitter (1 of 4 stars). 2 submissions from 2 submitters: Likely benign (1). 1 of the submissions does not count toward it. Last evaluated 2022-08-23.

Conditions:
KIF23-related disorder. Also called: KIF23-related condition.

Allele frequency attached by ClinVar (database versions not stated): gnomAD 0.00009; TOPMed 0.00013; ESP Exome Variant Server 0.00015.
gnomAD v4.1: 46 of 1,594,046 alleles (0.0029%); highest among the groups gnomAD compares: African/African-American, 0.026%; no homozygotes.

Submissions (2):

Labcorp Genetics (formerly Invitae), Labcorp
Classification: Likely benign. Last evaluated: 2022-08-23. Review status: criteria provided, single submitter. Criteria: Invitae Variant Classification Sherloc (09022015). Collection method: clinical testing. Allele origin: germline.

PreventionGenetics, part of Exact Sciences
Classification: Likely benign for KIF23-related condition. Last evaluated: 2022-04-06. Review status: no assertion criteria provided. Collection method: clinical testing. Allele origin: germline. Not counted in ClinVar's aggregate classification.
Comment: This variant is classified as likely benign based on ACMG/AMP sequence variant interpretation guidelines (Richards et al. 2015 PMID: 25741868, with internal and published modifications).

NM_001367805.3(KIF23):c.2673+7A>G

Gene: KIF23 (kinesin family member 23; plus strand). Cytogenetic location: 15q23.
Variant type: single nucleotide variant.
Coding change: c.2673+7A>G on transcript NM_001367805.3 (MANE Select); 7 bases into the intron after coding-DNA position 2673, A replaced by G.
Molecular consequence: intron variant.
Genome position (GRCh38, 1-based): chr15:69,445,048, A>G. VCF-style: chr15-69445048-A-G. GRCh37 (hg19) VCF-style: chr15-69737387-A-G.
Other names: c.2631+7A>G (NM_138555.4, NM_001367804.2, NM_138555.3); c.2319+7A>G (NM_004856.7); c.2050-961A>G (NM_001281301.2).
Identifiers: ClinVar variation 2186036 (VCV002186036.4), dbSNP rs373253717, ClinGen allele CA7635436.